The following is an entry in ClinVar:

ClinVar aggregate classification (germline): Uncertain significance. Review status: criteria provided, multiple submitters, no conflicts (2 of 4 stars). 2 submissions from 2 submitters: Uncertain significance (2). Last evaluated 2024-01-18.

Conditions:
Hereditary cancer-predisposing syndrome. Also called: Hereditary neoplastic syndrome; Neoplastic Syndromes, Hereditary; Hereditary Cancer Syndrome; Tumor predisposition. Identifiers: Orphanet 140162, MedGen C0027672, MeSH D009386, MONDO:0015356.
Hereditary nonpolyposis colorectal neoplasms. Identifiers: MedGen C0009405, MeSH D003123.

Submissions (2):

Ambry Genetics
Classification: Uncertain significance for Hereditary cancer-predisposing syndrome. Last evaluated: 2024-01-18. Review status: criteria provided, single submitter. Criteria: Ambry Variant Classification Scheme 2023. Collection method: clinical testing. Allele origin: germline.
Comment: The c.2253_2254delTGinsCA variant (also known as p.G752S), located in coding exon 4 of the MSH6 gene, results from an in-frame deletion of TG and insertion of CA at nucleotide positions 2253 to 2254. This results in the substitution of the glycine residue for a serine residue at codon 752, an amino acid with similar properties. This amino acid position is highly conserved in available vertebrate species. In addition, the in silico prediction for this alteration is inconclusive (Choi Y et al. PLoS ONE. 2012; 7(10):e46688). Based on the available evidence, the clinical significance of this alteration remains unclear.

Labcorp Genetics (formerly Invitae), Labcorp
Classification: Uncertain significance for Hereditary nonpolyposis colorectal neoplasms. Last evaluated: 2023-12-09. Review status: criteria provided, single submitter. Criteria: Invitae Variant Classification Sherloc (09022015). Collection method: clinical testing. Allele origin: germline.
Comment: This sequence change replaces glycine, which is neutral and non-polar, with serine, which is neutral and polar, at codon 752 of the MSH6 protein (p.Gly752Ser). Information on the frequency of this variant in the gnomAD database is not available, as this variant may be reported differently in the database. This variant has not been reported in the literature in individuals affected with MSH6-related conditions. Experimental studies and prediction algorithms are not available or were not evaluated, and the functional significance of this variant is currently unknown. In summary, the available evidence is currently insufficient to determine the role of this variant in disease. Therefore, it has been classified as a Variant of Uncertain Significance.

NM_000179.3(MSH6):c.2253_2254inv (p.Gly752Ser)

Gene: MSH6 (mutS homolog 6; plus strand). Cytogenetic location: 2p16.3.
Variant type: Inversion.
Coding change: c.2253_2254inv on transcript NM_000179.3 (MANE Select).
Protein change: p.Gly752Ser; replaces glycine 752 with serine.
Molecular consequence: missense variant. On other transcripts: non-coding transcript variant (5), intron variant (2).
Genome position: GRCh38 VCF-style: chr2-47800236-TG-CA. GRCh37 (hg19) VCF-style: chr2-48027375-TG-CA.
Other names: c.1863_1864inv, p.Gly622Ser (NM_001281492.2); c.1347_1348inv, p.Gly450Ser (NM_001281493.2, NM_001281494.2, NM_001406811.1 and 6 more transcripts); c.2349_2350inv, p.Gly784Ser (NM_001406795.1, NM_001406802.1); c.2253_2254inv, p.Gly752Ser (NM_001406796.1, NM_001406798.1, NM_001406800.1 and 3 more transcripts); c.1956_1957inv, p.Gly653Ser (NM_001406797.1, NM_001406801.1, NM_001406805.1 and 10 more transcripts); c.1728_1729inv, p.Gly577Ser (NM_001406799.1, NM_001406806.1, NM_001406807.1); c.2175_2176inv, p.Gly726Ser (NM_001406804.1); c.2259_2260inv, p.Gly754Ser (NM_001406813.1); and 4 more; short protein forms G653S, G577S, G696S, G726S, G754S, G450S, G622S, G752S.
Identifiers: ClinVar variation 2701756 (VCV002701756.4), ClinGen allele CA2697548118.